The following is an entry in ClinVar:

NM_004370.6(COL12A1):c.3916C>G (p.Leu1306Val)

Gene: COL12A1 (collagen type XII alpha 1 chain; minus strand). Cytogenetic location: 6q13.
Variant type: single nucleotide variant.
Coding change: c.3916C>G on transcript NM_004370.6 (MANE Select); coding-DNA position 3916, C replaced by G.
Protein change: p.Leu1306Val; replaces leucine 1306 with valine.
Molecular consequence: missense variant.
Genome position (GRCh38, 1-based): chr6:75,151,951, G>C on the plus strand (C>G on the coding strand, the complement: COL12A1 is on the minus strand). VCF-style: chr6-75151951-G-C. GRCh37 (hg19) VCF-style: chr6-75861667-G-C.
Other names: c.3643C>G, p.Leu1215Val (NM_001424115.1); c.424C>G, p.Leu142Val (NM_001424116.1, NM_080645.3); c.3916C>G, p.Leu1306Val (NM_001424113.1, NM_001424114.1); short protein forms L1306V, L1215V, L142V.
Identifiers: ClinVar variation 2926538 (VCV002926538.3), dbSNP rs1370588581, ClinGen allele CA364748150.

ClinVar aggregate classification (germline): Uncertain significance (1 of 4 stars; one submission).

Conditions:
Ullrich congenital muscular dystrophy 2 (UCMD2). Identifiers: Orphanet 75840, MedGen C4225314, MONDO:0014654, OMIM 616470.
Bethlem myopathy 2 (BTHLM2). Identifiers: Orphanet 536516, Orphanet 610, MedGen C4225313, MONDO:0034022, OMIM 616471.

gnomAD v4.1: 6 of 1,613,850 alleles (0.00037%); highest among the groups gnomAD compares: Non-Finnish European, 0.00051%; no homozygotes.

Submission:

Labcorp Genetics (formerly Invitae), Labcorp
Classification: Uncertain significance for Bethlem myopathy 2; Ullrich congenital muscular dystrophy 2. Last evaluated: 2023-01-14. Review status: criteria provided, single submitter. Criteria: Invitae Variant Classification Sherloc (09022015). Collection method: clinical testing. Allele origin: germline.
Comment: This variant is present in population databases (no rsID available, gnomAD 0.0009%). In summary, the available evidence is currently insufficient to determine the role of this variant in disease. Therefore, it has been classified as a Variant of Uncertain Significance. Advanced modeling of protein sequence and biophysical properties (such as structural, functional, and spatial information, amino acid conservation, physicochemical variation, residue mobility, and thermodynamic stability) performed at Invitae indicates that this missense variant is not expected to disrupt COL12A1 protein function. This variant has not been reported in the literature in individuals affected with COL12A1-related conditions. This sequence change replaces leucine, which is neutral and non-polar, with valine, which is neutral and non-polar, at codon 1306 of the COL12A1 protein (p.Leu1306Val).